The following is an entry in ClinVar:

NC_000003.12:g.176518923_176519268dup

Variant type: Duplication.
Genome position: GRCh38: chr3:176,518,923-176,519,268. GRCh37 (hg19): chr3:176,236,711-176,237,056.
Identifiers: ClinVar variation 988888 (VCV000988888.3), dbSNP rs2108347906, ClinGen allele CA2499216582.

ClinVar aggregate classification (germline): Likely benign (1 of 4 stars; one submission).

Conditions:
Developmental cataract. Also called: Congenital cataracts; Bilateral cataracts; Congenital cataract. Identifiers: MedGen C0009691, HP:0000519.

Submission:

Dept. Genetics and Cancer, Menzies Institute for Medical Research, University of Tasmania
Classification: Likely benign for Developmental cataract. Last evaluated: 2020-12-01. Review status: criteria provided, single submitter. Criteria: ACMG Guidelines, 2015. Collection method: research. Allele origin: germline. Affected: yes.
Comment: The allele frequency of this variant in a control population is greater than expected for the condition. Lack of evidence of variant having a putative damaging impact on a gene or gene product. gnomAD structual variant DUP_3_10278 and dbVar nsv4651094.

Literature cited by the submitters: PubMed 33867527.